The following is an entry in ClinVar:

NM_003872.3(NRP2):c.1729A>T (p.Arg577Trp)

Gene: NRP2 (neuropilin 2; plus strand). Cytogenetic location: 2q33.3.
Variant type: single nucleotide variant.
Coding change: c.1729A>T on transcript NM_003872.3 (MANE Select); coding-DNA position 1729, A replaced by T.
Protein change: p.Arg577Trp; replaces arginine 577 with tryptophan.
Molecular consequence: missense variant.
Genome position (GRCh38, 1-based): chr2:205,745,833, A>T. VCF-style: chr2-205745833-A-T. GRCh37 (hg19) VCF-style: chr2-206610557-A-T.
Other names: c.1729A>T, p.Arg577Trp (NM_018534.4, NM_201266.2, NM_201267.2 and 1 more transcripts); short protein forms R577W.
Identifiers: ClinVar variation 4995656 (VCV004995656.1).

ClinVar aggregate classification (germline): Uncertain significance (1 of 4 stars; one submission).

Conditions:
NRP2-related disorder. Also called: NRP2-related condition.

Submission:

PreventionGenetics, part of Exact Sciences
Classification: Uncertain significance for NRP2-related condition. Last evaluated: 2025-10-16. Review status: criteria provided, single submitter. Criteria: ACMG Guidelines, 2015. Collection method: clinical testing. Allele origin: germline.
Comment: The NRP2 c.1729A>T variant is predicted to result in the amino acid substitution p.Arg577Trp. To our knowledge, this variant has not been reported in the literature or in a large population database (gnomAD), indicating this variant is rare. At this time, the clinical significance of this variant is uncertain due to the absence of conclusive functional and genetic evidence.